The following is an entry in ClinVar:

ClinVar aggregate classification (germline): Uncertain significance. Review status: criteria provided, multiple submitters, no conflicts (2 of 4 stars). 2 submissions from 2 submitters: Uncertain significance (2). Last evaluated 2025-11-04.

Submissions (4):

Labcorp Genetics (formerly Invitae), Labcorp
Classification: Uncertain significance. Last evaluated: 2025-11-04. Review status: criteria provided, single submitter. Criteria: Invitae Variant Classification Sherloc (09022015). Collection method: clinical testing. Allele origin: germline.
Comment: This sequence change replaces glycine, which is neutral and non-polar, with serine, which is neutral and polar, at codon 20 of the EDNRB protein (p.Gly20Ser). This variant is present in population databases (rs762469442, gnomAD 0.01%). This variant has not been reported in the literature in individuals affected with EDNRB-related conditions. ClinVar contains an entry for this variant (Variation ID: 3363706). An algorithm developed to predict the effect of missense changes on protein structure and function outputs the following: PolyPhen-2: "Benign". The serine amino acid residue is found in multiple mammalian species, which suggests that this missense change does not adversely affect protein function. In summary, the available evidence is currently insufficient to determine the role of this variant in disease. Therefore, it has been classified as a Variant of Uncertain Significance.

GeneDx
Classification: Uncertain significance. Last evaluated: 2023-11-01. Review status: criteria provided, single submitter. Criteria: GeneDx Variant Classification Process June 2021. Collection method: clinical testing. Allele origin: germline. Affected: yes.
Comment: In silico analysis supports that this missense variant does not alter protein structure/function; Has not been previously published as pathogenic or benign to our knowledge

Dr. Peter K. Rogan Lab, Western University
No classification provided (evidence only). Condition: Hepatocellular carcinoma. Review status: no classification provided. Collection method: in vitro. Allele origin: not applicable. Functional consequence: retained intron. Not counted in ClinVar's aggregate classification.

Dr. Peter K. Rogan Lab, Western University
No classification provided (evidence only). Condition: Gastric cancer. Review status: no classification provided. Collection method: in vitro. Allele origin: not applicable. Functional consequence: retained intron. Not counted in ClinVar's aggregate classification.

NM_001122659.3(EDNRB):c.58G>A (p.Gly20Ser)

Gene: EDNRB (endothelin receptor type B; minus strand). Cytogenetic location: 13q22.3.
Variant type: single nucleotide variant.
Coding change: c.58G>A on transcript NM_001122659.3 (MANE Select); coding-DNA position 58, G replaced by A.
Protein change: p.Gly20Ser; replaces glycine 20 with serine.
Molecular consequence: missense variant.
Genome position (GRCh38, 1-based): chr13:77,918,516, C>T on the plus strand (G>A on the coding strand, the complement: EDNRB is on the minus strand). VCF-style: chr13-77918516-C-T. GRCh37 (hg19) VCF-style: chr13-78492651-C-T.
Other names: NC_000013.10:g.78492651C>T; c.58G>A, p.Gly20Ser (NM_000115.5, NM_003991.4); c.328G>A, p.Gly110Ser (NM_001201397.2); short protein forms G110S, G20S.
Identifiers: ClinVar variation 3363706 (VCV003363706.3).
Genomic context (GRCh38, chr13:77,918,516, plus strand): 5'-AAAGCGGAGTGGCCCTGTCAGGCGGGAAGCCTCTCTCCTCTCCCCAGATCCGCGACAGGC[C>T]GCAGGCAAGAACCAGCGCAACCAGGGCGCGTCCGCACAGACTTGGAGGCGGCTGCATGCT-3'
Protein context (NP_001116131.1, residues 10-30): RALVALVLAC[Gly20Ser]LSRIWGEERG